The following is an entry in ClinVar:

NM_000441.2(SLC26A4):c.*11G>A

Gene: SLC26A4 (solute carrier family 26 member 4; plus strand). Cytogenetic location: 7q22.3.
Variant type: single nucleotide variant.
Coding change: c.*11G>A on transcript NM_000441.2 (MANE Select); 11 bases downstream of the stop codon, G replaced by A.
Molecular consequence: 3 prime UTR variant.
Genome position (GRCh38, 1-based): chr7:107,715,457, G>A. VCF-style: chr7-107715457-G-A. GRCh37 (hg19) VCF-style: chr7-107355902-G-A.
Other names: c.*11G>A.
Identifiers: ClinVar variation 43484 (VCV000043484.12), dbSNP rs113496951, ClinGen allele CA132647.
Genomic context (GRCh38, chr7:107,715,457, plus strand): 5'-ACTTTGTTTTCCCCTTGCTTCCACAGGCTATGCGTACACTTGCATCCTGAAAGTGGGTTC[G>A]GGAGGTCTCTATGAGCAAGGAATACAAGACAAAACTTCCTCAATGCATTGACTATTTCTT-3'

ClinVar aggregate classification (germline): Benign/Likely benign. Review status: criteria provided, multiple submitters, no conflicts (2 of 4 stars). 4 submissions from 3 submitters: Benign (3); Likely benign (1). Last evaluated 2020-02-19.

Conditions:
Pendred syndrome (PDS). Also called: Pendred's syndrome; DEAFNESS WITH GOITER; GOITER-DEAFNESS SYNDROME; HYPOTHYROIDISM, CONGENITAL, DUE TO DYSHORMONOGENESIS, 2B; Pendred Syndrome (PDS); THYROID DYSHORMONOGENESIS 2B. Identifiers: Orphanet 705, MedGen C0271829, MONDO:0010134, OMIM 274600.
Autosomal recessive nonsyndromic hearing loss 4 (DFNB4). Also called: Nonsyndromic enlarged vestibular aqueduct (NSEVA); FOXI1-Related Pendred Syndrome; KCNJ10-Related Pendred Syndrome; Deafness, autosomal recessive 4, with enlarged vestibular aqueduct; DEAFNESS, AUTOSOMAL RECESSIVE 4, WITH ENLARGED VESTIBULAR AQUEDUCT, DIGENIC; NEUROSENSORY NONSYNDROMIC RECESSIVE DEAFNESS 4. Identifiers: Orphanet 90636, MedGen C3538946, MONDO:0010933, OMIM 600791.

Allele frequency attached by ClinVar (database versions not stated): gnomAD exomes 0.00070 and 0.00198; 1000 Genomes Project 0.00599; 1000 Genomes Project 30x 0.00640; gnomAD 0.00802 and 0.00867; ExAC 0.00245; ESP Exome Variant Server 0.00838; TOPMed 0.00873.
gnomAD v4.1: 2,281 of 1,610,746 alleles (0.14%); highest among the groups gnomAD compares: African/African-American, 2.7%; 40 homozygotes.

Submissions (4):

GeneDx
Classification: Benign. Last evaluated: 2020-02-19. Review status: criteria provided, single submitter. Criteria: GeneDx Variant Classification Process June 2021. Collection method: clinical testing. Allele origin: germline. Affected: yes.

Illumina Laboratory Services, Illumina
Classification: Benign for Pendred syndrome. Last evaluated: 2017-10-02. Review status: criteria provided, single submitter. Criteria: ICSL Variant Classification Criteria 13 December 2019. Collection method: clinical testing. Allele origin: germline.
Comment: This variant was observed as part of a predisposition screen in an ostensibly healthy population. A literature search was performed for the gene, cDNA change, and amino acid change (where applicable). No publications were found based on this search. Allele frequency data from public databases was too high to be consistent with this variant causing disease. Therefore, this variant is classified as benign.

Illumina Laboratory Services, Illumina
Classification: Likely benign for Autosomal recessive nonsyndromic hearing loss 4. Last evaluated: 2017-10-02. Review status: criteria provided, single submitter. Criteria: ICSL Variant Classification Criteria 13 December 2019. Collection method: clinical testing. Allele origin: germline.
Comment: This variant was observed as part of a predisposition screen in an ostensibly healthy population. A literature search was performed for the gene, cDNA change, and amino acid change (where applicable). No publications were found based on this search. Allele frequency data from public databases allowed determination this variant is unlikely to cause disease. Therefore, this variant is classified as likely benign.

Laboratory for Molecular Medicine, Mass General Brigham Personalized Medicine
Classification: Benign. Last evaluated: 2012-04-30. Review status: criteria provided, single submitter. Criteria: LMM Criteria. Collection method: clinical testing. Allele origin: germline. Observed: 10 variant alleles.
Comment: *11G>A in Exon 21 of SLC26A4: This variant is not expected to have clinical sign ificance because it has been identified in 2.5% (93/3738) of African American ch romosomes from a broad population by the NHLBI Exome Sequencing Project (dbSNP rs113496951).